The following is an entry in ClinVar:

NM_002470.4(MYH3):c.5488G>C (p.Glu1830Gln)

Gene: MYH3 (myosin heavy chain 3; minus strand). Cytogenetic location: 17p13.1.
Variant type: single nucleotide variant.
Coding change: c.5488G>C on transcript NM_002470.4 (MANE Select); coding-DNA position 5488, G replaced by C.
Protein change: p.Glu1830Gln; replaces glutamic acid 1830 with glutamine.
Molecular consequence: missense variant.
Genome position (GRCh38, 1-based): chr17:10,630,166, C>G on the plus strand (G>C on the coding strand, the complement: MYH3 is on the minus strand). VCF-style: chr17-10630166-C-G. GRCh37 (hg19) VCF-style: chr17-10533483-C-G.
Other names: short protein forms E1830Q.
Identifiers: ClinVar variation 4278838 (VCV004278838.1).
Genomic context (GRCh38, chr17:10,630,166, plus strand): 5'-CCTTGACCCTCCGCTCATACTTCCTCAGGCCCTTAACAGACTCTGTGTTCTTCTTCTGCT[C>G]TCCCTCAAGTTCAAACTCCAGCTCTCGGATCTGGGGGAGAGGGTGGGGAAATTAGTCTGG-3'
Protein context (NP_002461.2, residues 1820-1840): IRELEFELEG[Glu1830Gln]QKKNTESVKG

ClinVar aggregate classification (germline): Uncertain significance (1 of 4 stars; one submission).

gnomAD v4.1: 1 of 1,614,088 alleles (0.000062%); highest among the groups gnomAD compares: Non-Finnish European, 0.000085%; no homozygotes.

Submission:

GeneDx
Classification: Uncertain significance. Last evaluated: 2025-03-30. Review status: criteria provided, single submitter. Criteria: GeneDx Variant Classification Process June 2021. Collection method: clinical testing. Allele origin: germline. Affected: yes.
Comment: Not observed at significant frequency in large population cohorts (gnomAD); In silico analysis supports that this missense variant has a deleterious effect on protein structure/function; Has not been previously published as pathogenic or benign to our knowledge